The following is an entry in ClinVar:

NM_001128840.3(CACNA1D):c.511A>G (p.Ile171Val)

Gene: CACNA1D (calcium voltage-gated channel subunit alpha1 D; plus strand). Cytogenetic location: 3p21.1.
Variant type: single nucleotide variant.
Coding change: c.511A>G on transcript NM_001128840.3 (MANE Select); coding-DNA position 511, A replaced by G.
Protein change: p.Ile171Val; replaces isoleucine 171 with valine.
Molecular consequence: missense variant.
Genome position (GRCh38, 1-based): chr3:53,650,806, A>G. VCF-style: chr3-53650806-A-G. GRCh37 (hg19) VCF-style: chr3-53684833-A-G.
Other names: c.511A>G, p.Ile171Val (NM_000720.4, NM_001128839.3); short protein forms I171V.
Identifiers: ClinVar variation 2574545 (VCV002574545.1), dbSNP rs1490004990, ClinGen allele CA353381227.

ClinVar aggregate classification (germline): Uncertain significance (1 of 4 stars; one submission).

Allele frequency attached by ClinVar (database versions not stated): TOPMed below 0.00001.

Submission:

GeneDx
Classification: Uncertain significance. Last evaluated: 2023-01-30. Review status: criteria provided, single submitter. Criteria: GeneDx Variant Classification Process June 2021. Collection method: clinical testing. Allele origin: germline. Affected: yes.
Comment: Not observed at significant frequency in large population cohorts (gnomAD); In silico analysis supports that this missense variant does not alter protein structure/function; Has not been previously published as pathogenic or benign to our knowledge